The following is an entry in ClinVar:

NM_005559.4(LAMA1):c.727C>T (p.His243Tyr)

Gene: LAMA1 (laminin subunit alpha 1; minus strand). Cytogenetic location: 18p11.31.
Variant type: single nucleotide variant.
Coding change: c.727C>T on transcript NM_005559.4 (MANE Select); coding-DNA position 727, C replaced by T.
Protein change: p.His243Tyr; replaces histidine 243 with tyrosine.
Molecular consequence: missense variant.
Genome position (GRCh38, 1-based): chr18:7,049,119, G>A on the plus strand (C>T on the coding strand, the complement: LAMA1 is on the minus strand). VCF-style: chr18-7049119-G-A. GRCh37 (hg19) VCF-style: chr18-7049118-G-A.
Other names: short protein forms H243Y.
Identifiers: ClinVar variation 1361672 (VCV001361672.6), dbSNP rs2144198957, ClinGen allele CA401840816.

ClinVar aggregate classification (germline): Uncertain significance (1 of 4 stars; one submission).

Submission:

Labcorp Genetics (formerly Invitae), Labcorp
Classification: Uncertain significance. Last evaluated: 2021-10-24. Review status: criteria provided, single submitter. Criteria: Invitae Variant Classification Sherloc (09022015). Collection method: clinical testing. Allele origin: germline.
Comment: In summary, the available evidence is currently insufficient to determine the role of this variant in disease. Therefore, it has been classified as a Variant of Uncertain Significance. Algorithms developed to predict the effect of missense changes on protein structure and function (SIFT, PolyPhen-2, Align-GVGD) all suggest that this variant is likely to be tolerated. This variant has not been reported in the literature in individuals affected with LAMA1-related conditions. This variant is not present in population databases (ExAC no frequency). This sequence change replaces histidine with tyrosine at codon 243 of the LAMA1 protein (p.His243Tyr). The histidine residue is moderately conserved and there is a moderate physicochemical difference between histidine and tyrosine.